The following is an entry in ClinVar:

ClinVar aggregate classification (germline): Uncertain significance (1 of 4 stars; one submission).

Allele frequency attached by ClinVar (database versions not stated): gnomAD exomes below 0.00001; ExAC 0.00001.
gnomAD v4.1: 2 of 1,614,118 alleles (0.00012%); highest among the groups gnomAD compares: Admixed American, 0.0033%; no homozygotes.

Submission:

Labcorp Genetics (formerly Invitae), Labcorp
Classification: Uncertain significance. Last evaluated: 2022-03-22. Review status: criteria provided, single submitter. Criteria: Invitae Variant Classification Sherloc (09022015). Collection method: clinical testing. Allele origin: germline.
Comment: This sequence change replaces isoleucine, which is neutral and non-polar, with asparagine, which is neutral and polar, at codon 844 of the CAD protein (p.Ile844Asn). This variant is present in population databases (rs775392905, gnomAD 0.003%). This variant has not been reported in the literature in individuals affected with CAD-related conditions. Algorithms developed to predict the effect of missense changes on protein structure and function are either unavailable or do not agree on the potential impact of this missense change (SIFT: "Deleterious"; PolyPhen-2: "Possibly Damaging"; Align-GVGD: "Class C0"). In summary, the available evidence is currently insufficient to determine the role of this variant in disease. Therefore, it has been classified as a Variant of Uncertain Significance.

NM_004341.5(CAD):c.2531T>A (p.Ile844Asn)

Genes: CAD (carbamoyl-phosphate synthetase 2, aspartate transcarbamylase, and dihydroorotase; plus strand), LOC126806171 (BRD4-independent group 4 enhancer GRCh37_chr2:27454350-27455549; plus strand). Cytogenetic location: 2p23.3.
Variant type: single nucleotide variant.
Coding change: c.2531T>A on transcript NM_004341.5 (MANE Select); coding-DNA position 2531, T replaced by A.
Protein change: p.Ile844Asn; replaces isoleucine 844 with asparagine.
Molecular consequence: missense variant.
Genome position (GRCh38, 1-based): chr2:27,232,110, T>A. VCF-style: chr2-27232110-T-A. GRCh37 (hg19) VCF-style: chr2-27454978-T-A.
Other names: c.2342T>A, p.Ile781Asn (NM_001306079.2); short protein forms I844N, I781N.
Identifiers: ClinVar variation 1524147 (VCV001524147.3), dbSNP rs775392905, ClinGen allele CA1573040.